The following is an entry in ClinVar:

ClinVar aggregate classification (germline): Uncertain significance. Review status: criteria provided, multiple submitters, no conflicts (2 of 4 stars). 4 submissions from 4 submitters: Uncertain significance (4). Last evaluated 2025-10-22.

Conditions:
Juvenile polyposis syndrome (JPS). Identifiers: Orphanet 2929, MedGen C0345893, MONDO:0017380, OMIM 174900.
Hereditary cancer-predisposing syndrome. Also called: Hereditary neoplastic syndrome; Neoplastic Syndromes, Hereditary; Tumor predisposition; Hereditary Cancer Syndrome. Identifiers: Orphanet 140162, MedGen C0027672, MeSH D009386, MONDO:0015356.

Allele frequency attached by ClinVar (database versions not stated): gnomAD exomes below 0.00001; TOPMed below 0.00001; gnomAD 0.00001.
gnomAD v4.1: 3 of 1,613,882 alleles (0.00019%); highest among the groups gnomAD compares: Non-Finnish European, 0.00025%; no homozygotes.

Submissions (4):

Ambry Genetics
Classification: Uncertain significance for Hereditary cancer-predisposing syndrome. Last evaluated: 2025-10-22. Review status: criteria provided, single submitter. Criteria: Ambry Variant Classification Scheme 2023. Collection method: clinical testing. Allele origin: germline.
Comment: The p.Q195R variant (also known as c.584A>G), located in coding exon 6 of the BMPR1A gene, results from an A to G substitution at nucleotide position 584. The glutamine at codon 195 is replaced by arginine, an amino acid with highly similar properties. This amino acid position is well conserved in available vertebrate species. In addition, the in silico prediction for this alteration is inconclusive. Since supporting evidence is limited at this time, the clinical significance of this alteration remains unclear.

Labcorp Genetics (formerly Invitae), Labcorp
Classification: Uncertain significance for Juvenile polyposis syndrome. Last evaluated: 2025-10-01. Review status: criteria provided, single submitter. Criteria: Invitae Variant Classification Sherloc (09022015). Collection method: clinical testing. Allele origin: germline.
Comment: This sequence change replaces glutamine, which is neutral and polar, with arginine, which is basic and polar, at codon 195 of the BMPR1A protein (p.Gln195Arg). This variant is not present in population databases (gnomAD no frequency). This variant has not been reported in the literature in individuals affected with BMPR1A-related conditions. ClinVar contains an entry for this variant (Variation ID: 482877). Invitae Evidence Modeling of protein sequence and biophysical properties (such as structural, functional, and spatial information, amino acid conservation, physicochemical variation, residue mobility, and thermodynamic stability) indicates that this missense variant is not expected to disrupt BMPR1A protein function with a negative predictive value of 80%. In summary, the available evidence is currently insufficient to determine the role of this variant in disease. Therefore, it has been classified as a Variant of Uncertain Significance.

Color Diagnostics, LLC DBA Color Health
Classification: Uncertain significance for Hereditary cancer-predisposing syndrome. Last evaluated: 2025-02-19. Review status: criteria provided, single submitter. Criteria: ACMG Guidelines, 2015. Collection method: clinical testing. Allele origin: germline.
Comment: This missense variant replaces glutamine with arginine at codon 195 of the BMPR1A protein. Computational prediction suggests that this variant may not impact protein structure and function. To our knowledge, functional studies have not been reported for this variant. This variant has not been reported in individuals affected with BMPR1A-related disorders in the literature. This variant has not been identified in the general population by the Genome Aggregation Database (gnomAD). The available evidence is insufficient to determine the role of this variant in disease conclusively. Therefore, this variant is classified as a Variant of Uncertain Significance.

GeneDx
Classification: Uncertain significance. Last evaluated: 2023-07-21. Review status: criteria provided, single submitter. Criteria: GeneDx Variant Classification Process June 2021. Collection method: clinical testing. Allele origin: germline. Affected: yes.
Comment: Not observed at significant frequency in large population cohorts (gnomAD); In silico analysis supports that this missense variant does not alter protein structure/function; Has not been previously published as pathogenic or benign to our knowledge

NM_004329.3(BMPR1A):c.584A>G (p.Gln195Arg)

Gene: BMPR1A (bone morphogenetic protein receptor type 1A; plus strand). Cytogenetic location: 10q23.2.
Variant type: single nucleotide variant.
Coding change: c.584A>G on transcript NM_004329.3 (MANE Select); coding-DNA position 584, A replaced by G.
Protein change: p.Gln195Arg; replaces glutamine 195 with arginine.
Molecular consequence: missense variant.
Genome position (GRCh38, 1-based): chr10:86,912,293, A>G. VCF-style: chr10-86912293-A-G. GRCh37 (hg19) VCF-style: chr10-88672050-A-G.
Other names: short protein forms Q195R.
Identifiers: ClinVar variation 482877 (VCV000482877.16), dbSNP rs775295628, ClinGen allele CA377454571.